The following is an entry in ClinVar:

NM_004380.3(CREBBP):c.5515C>G (p.Pro1839Ala)

Gene: CREBBP (CREB binding lysine acetyltransferase; minus strand). Cytogenetic location: 16p13.3.
Variant type: single nucleotide variant.
Coding change: c.5515C>G on transcript NM_004380.3 (MANE Select); coding-DNA position 5515, C replaced by G.
Protein change: p.Pro1839Ala; replaces proline 1839 with alanine.
Molecular consequence: missense variant.
Genome position (GRCh38, 1-based): chr16:3,729,532, G>C on the plus strand (C>G on the coding strand, the complement: CREBBP is on the minus strand). VCF-style: chr16-3729532-G-C. GRCh37 (hg19) VCF-style: chr16-3779533-G-C.
Other names: c.5401C>G, p.Pro1801Ala (NM_001079846.1); short protein forms P1801A, P1839A.
Identifiers: ClinVar variation 4811435 (VCV004811435.1).

ClinVar aggregate classification (germline): Uncertain significance (1 of 4 stars; one submission).

Conditions:
Rubinstein-Taybi syndrome (RSTS). Identifiers: Orphanet 783, MedGen C0035934, MONDO:0019188.

Submission:

Labcorp Genetics (formerly Invitae), Labcorp
Classification: Uncertain significance for Rubinstein-Taybi syndrome. Last evaluated: 2025-05-11. Review status: criteria provided, single submitter. Criteria: Invitae Variant Classification Sherloc (09022015). Collection method: clinical testing. Allele origin: germline.
Comment: This sequence change replaces proline, which is neutral and non-polar, with alanine, which is neutral and non-polar, at codon 1839 of the CREBBP protein (p.Pro1839Ala). This variant is not present in population databases (gnomAD no frequency). This variant has not been reported in the literature in individuals affected with CREBBP-related conditions. Invitae Evidence Modeling of protein sequence and biophysical properties (such as structural, functional, and spatial information, amino acid conservation, physicochemical variation, residue mobility, and thermodynamic stability) indicates that this missense variant is expected to disrupt CREBBP protein function with a positive predictive value of 80%. In summary, the available evidence is currently insufficient to determine the role of this variant in disease. Therefore, it has been classified as a Variant of Uncertain Significance.